The following is an entry in ClinVar:

NM_020745.4(AARS2):c.1578T>C (p.Tyr526=)

Gene: AARS2 (alanyl-tRNA synthetase 2, mitochondrial; minus strand). Cytogenetic location: 6p21.1.
Variant type: single nucleotide variant.
Coding change: c.1578T>C on transcript NM_020745.4 (MANE Select); coding-DNA position 1578, T replaced by C.
Protein change: p.Tyr526=; no amino-acid change (tyrosine 526 retained).
Molecular consequence: synonymous variant.
Genome position (GRCh38, 1-based): chr6:44,305,055, A>G on the plus strand (T>C on the coding strand, the complement: AARS2 is on the minus strand). VCF-style: chr6-44305055-A-G. GRCh37 (hg19) VCF-style: chr6-44272792-A-G.
Identifiers: ClinVar variation 1979510 (VCV001979510.4), dbSNP rs539748787, ClinGen allele CA3834297.

ClinVar aggregate classification (germline): Uncertain significance (1 of 4 stars; one submission).

Allele frequency attached by ClinVar (database versions not stated): ExAC 0.00001; gnomAD exomes 0.00001; gnomAD 0.00004; TOPMed 0.00004.

Submission:

Labcorp Genetics (formerly Invitae), Labcorp
Classification: Uncertain significance. Last evaluated: 2024-10-24. Review status: criteria provided, single submitter. Criteria: Invitae Variant Classification Sherloc (09022015). Collection method: clinical testing. Allele origin: germline.
Comment: This sequence change affects codon 526 of the AARS2 mRNA. It is a 'silent' change, meaning that it does not change the encoded amino acid sequence of the AARS2 protein. It affects a nucleotide within the consensus splice site. This variant is present in population databases (rs539748787, gnomAD 0.003%). This variant has not been reported in the literature in individuals affected with AARS2-related conditions. ClinVar contains an entry for this variant (Variation ID: 1979510). Algorithms developed to predict the effect of sequence changes on RNA splicing suggest that this variant is not likely to affect RNA splicing. In summary, the available evidence is currently insufficient to determine the role of this variant in disease. Therefore, it has been classified as a Variant of Uncertain Significance.